The following is an entry in ClinVar:

NM_005687.5(FARSB):c.510A>G (p.Pro170=)

Gene: FARSB (phenylalanyl-tRNA synthetase subunit beta; minus strand). Cytogenetic location: 2q36.1.
Variant type: single nucleotide variant.
Coding change: c.510A>G on transcript NM_005687.5 (MANE Select); coding-DNA position 510, A replaced by G.
Protein change: p.Pro170=; no amino-acid change (proline 170 retained).
Molecular consequence: synonymous variant. On other transcripts: non-coding transcript variant (1).
Genome position (GRCh38, 1-based): chr2:222,634,487, T>C on the plus strand (A>G on the coding strand, the complement: FARSB is on the minus strand). VCF-style: chr2-222634487-T-C. GRCh37 (hg19) VCF-style: chr2-223499206-T-C.
Identifiers: ClinVar variation 2651942 (VCV002651942.24), dbSNP rs1574946670, ClinGen allele CA431471571.

ClinVar aggregate classification (germline): Likely benign (1 of 4 stars; one submission).

Submission:

CeGaT Center for Human Genetics Tuebingen
Classification: Likely benign. Last evaluated: 2022-12-01. Review status: criteria provided, single submitter. Criteria: CeGaT Center For Human Genetics Tuebingen Variant Classification Criteria Version 2. Collection method: clinical testing. Allele origin: germline. Affected: yes. Observed: 1 variant allele.
Comment: FARSB: PM2:Supporting, BP4, BP7